The following is an entry in ClinVar:

NM_000101.4(CYBA):c.566C>T (p.Pro189Leu)

Gene: CYBA (cytochrome b-245 alpha chain; minus strand). Cytogenetic location: 16q24.2.
Variant type: single nucleotide variant.
Coding change: c.566C>T on transcript NM_000101.4 (MANE Select); coding-DNA position 566, C replaced by T.
Protein change: p.Pro189Leu; replaces proline 189 with leucine.
Molecular consequence: missense variant.
Genome position (GRCh38, 1-based): chr16:88,643,375, G>A on the plus strand (C>T on the coding strand, the complement: CYBA is on the minus strand). VCF-style: chr16-88643375-G-A. GRCh37 (hg19) VCF-style: chr16-88709783-G-A.
Other names: short protein forms P189L.
Identifiers: ClinVar variation 2165915 (VCV002165915.6), dbSNP rs746724477, ClinGen allele CA8228169.

ClinVar aggregate classification (germline): Uncertain significance. Review status: criteria provided, multiple submitters, no conflicts (2 of 4 stars). 4 submissions from 4 submitters: Uncertain significance (4). Last evaluated 2025-06-02.

Conditions:
Granulomatous disease, chronic, autosomal recessive, cytochrome b-negative. Also called: GRANULOMATOUS DISEASE, CHRONIC, AUTOSOMAL RECESSIVE, 4; CGD DUE TO DEFICIENCY OF THE ALPHA SUBUNIT OF CYTOCHROME b; CGD, AUTOSOMAL RECESSIVE CYTOCHROME b-NEGATIVE; CYBA DEFICIENCY; Chronic granulomatous disease, autosomal, due to deficiency of CYBA. Identifiers: Orphanet 379, MedGen C1856255, MONDO:0009308, OMIM 233690.
Inborn genetic diseases. Identifiers: MedGen C0950123, MeSH D030342.

gnomAD v4.1: 40 of 1,530,724 alleles (0.0026%); highest among the groups gnomAD compares: Admixed American, 0.008%; no homozygotes.

Submissions (4):

Labcorp Genetics (formerly Invitae), Labcorp
Classification: Uncertain significance for Granulomatous disease, chronic, autosomal recessive, cytochrome b-negative. Last evaluated: 2025-06-02. Review status: criteria provided, single submitter. Criteria: Invitae Variant Classification Sherloc (09022015). Collection method: clinical testing. Allele origin: germline.
Comment: This sequence change replaces proline, which is neutral and non-polar, with leucine, which is neutral and non-polar, at codon 189 of the CYBA protein (p.Pro189Leu). The frequency data for this variant in the population databases is considered unreliable, as metrics indicate poor data quality at this position in the gnomAD database. This variant has not been reported in the literature in individuals affected with CYBA-related conditions. ClinVar contains an entry for this variant (Variation ID: 2165915). An algorithm developed to predict the effect of missense changes on protein structure and function (PolyPhen-2) suggests that this variant is likely to be disruptive. In summary, the available evidence is currently insufficient to determine the role of this variant in disease. Therefore, it has been classified as a Variant of Uncertain Significance.

Blueprint Genetics
Classification: Uncertain significance. Last evaluated: 2024-11-25. Review status: criteria provided, single submitter. Criteria: ACMG Guidelines, 2015. Collection method: clinical testing. Allele origin: germline.

Ambry Genetics
Classification: Uncertain significance for Inborn genetic diseases. Last evaluated: 2023-07-05. Review status: criteria provided, single submitter. Criteria: Ambry Variant Classification Scheme 2023. Collection method: clinical testing. Allele origin: germline.

GeneDx
Classification: Uncertain significance. Last evaluated: 2022-12-14. Review status: criteria provided, single submitter. Criteria: GeneDx Variant Classification Process June 2021. Collection method: clinical testing. Allele origin: germline. Affected: yes.
Comment: In silico analysis supports that this missense variant has a deleterious effect on protein structure/function; Has not been previously published as pathogenic or benign to our knowledge